The following is an entry in ClinVar:

ClinVar aggregate classification (germline): Likely benign. Review status: criteria provided, multiple submitters, no conflicts (2 of 4 stars). 2 submissions from 2 submitters: Likely benign (2). Last evaluated 2024-07-17.

Conditions:
Developmental and epileptic encephalopathy 94 (DEE94). Also called: CHD2-Related Neurodevelopmental Disorders; Epileptic encephalopathy, childhood-onset. Identifiers: Orphanet 1942, Orphanet 2382, MedGen C3809278, MONDO:0014150, OMIM 615369.

Allele frequency attached by ClinVar (database versions not stated): gnomAD exomes 0.00001; gnomAD 0.00002 and 0.00003; ExAC 0.00003; TOPMed 0.00003; ESP Exome Variant Server 0.00015.
gnomAD v4.1: 6 of 1,606,600 alleles (0.00037%); highest among the groups gnomAD compares: East Asian, 0.0045%; no homozygotes.

Submissions (2):

Labcorp Genetics (formerly Invitae), Labcorp
Classification: Likely benign for Developmental and epileptic encephalopathy 94. Last evaluated: 2024-07-17. Review status: criteria provided, single submitter. Criteria: Invitae Variant Classification Sherloc (09022015). Collection method: clinical testing. Allele origin: germline.

GeneDx
Classification: Likely benign. Last evaluated: 2017-03-29. Review status: criteria provided, single submitter. Criteria: GeneDx Variant Classification (06012015). Collection method: clinical testing. Allele origin: germline. Affected: yes.
Comment: This variant is considered likely benign or benign based on one or more of the following criteria: it is a conservative change, it occurs at a poorly conserved position in the protein, it is predicted to be benign by multiple in silico algorithms, and/or has population frequency not consistent with disease.

NM_001271.4(CHD2):c.63-15C>G

Gene: CHD2 (chromodomain helicase DNA binding protein 2; plus strand). Cytogenetic location: 15q26.1.
Variant type: single nucleotide variant.
Coding change: c.63-15C>G on transcript NM_001271.4 (MANE Select); 15 bases into the intron before coding-DNA position 63, C replaced by G.
Molecular consequence: intron variant.
Genome position (GRCh38, 1-based): chr15:92,924,306, C>G. VCF-style: chr15-92924306-C-G. GRCh37 (hg19) VCF-style: chr15-93467536-C-G.
Other names: c.63-15C>G (NM_001042572.3).
Identifiers: ClinVar variation 508276 (VCV000508276.6), dbSNP rs372471036, ClinGen allele CA7747438.